The following is an entry in ClinVar:

ClinVar aggregate classification (germline): Benign/Likely benign. Review status: criteria provided, multiple submitters, no conflicts (2 of 4 stars). 8 submissions from 8 submitters: Benign (3); Likely benign (5). Last evaluated 2026-03-31.

Conditions:
Vesicoureteral reflux 8 (VUR8). Identifiers: Orphanet 289365, MedGen C4014831, MONDO:0014422, OMIM 615963.
Ehlers-Danlos syndrome due to tenascin-X deficiency (EDSCLL1). Also called: EDS DUE TO TNX DEFICIENCY; TNXB-Related Classical-Like Ehlers-Danlos Syndrome; TNX DEFICIENCY; EHLERS-DANLOS SYNDROME, CLASSIC-LIKE; Ehlers-Danlos syndrome, classic-like, 1. Identifiers: Orphanet 230839, MedGen C1848029, MONDO:0011670, OMIM 606408.
Ehlers-Danlos syndrome (EDS). Identifiers: Orphanet 98249, MedGen C0013720, MONDO:0020066.
Cardiovascular phenotype. Identifiers: MedGen CN230736.

Allele frequency attached by ClinVar (database versions not stated): 1000 Genomes Project 0.00579; 1000 Genomes Project 30x 0.00593; gnomAD 0.00797 and 0.00876; ESP Exome Variant Server 0.00833; TOPMed 0.00871.
gnomAD v4.1: 2,190 of 1,605,028 alleles (0.14%); highest among the groups gnomAD compares: African/African-American, 2.5%; 29 homozygotes.

Submissions (8):

Women's Health and Genetics/Laboratory Corporation of America, LabCorp
Classification: Likely benign. Last evaluated: 2026-03-31. Review status: criteria provided, single submitter. Criteria: LabCorp Variant Classification Summary - May 2015. Collection method: clinical testing. Allele origin: germline.

Labcorp Genetics (formerly Invitae), Labcorp
Classification: Benign. Last evaluated: 2026-02-04. Review status: criteria provided, single submitter. Criteria: Invitae Variant Classification Sherloc (09022015). Collection method: clinical testing. Allele origin: germline.

GeneDx
Classification: Likely benign. Last evaluated: 2023-09-13. Review status: criteria provided, single submitter. Criteria: GeneDx Variant Classification Process June 2021. Collection method: clinical testing. Allele origin: germline. Affected: yes.
Comment: See Variant Classification Assertion Criteria.

Mayo Clinic Laboratories, Mayo Clinic
Classification: Benign. Last evaluated: 2023-02-01. Review status: criteria provided, single submitter. Criteria: ACMG Guidelines, 2015. Collection method: clinical testing. Allele origin: germline. Observed: 7 variant alleles.
Comment: BS1, BS2, BP4

Fulgent Genetics
Classification: Likely benign for Ehlers-Danlos syndrome due to tenascin-X deficiency; Vesicoureteral reflux 8. Last evaluated: 2022-02-07. Review status: criteria provided, single submitter. Criteria: ACMG Guidelines, 2015. Collection method: clinical testing. Allele origin: unknown.

Genome Diagnostics Laboratory, The Hospital for Sick Children
Classification: Likely benign for Ehlers-Danlos syndrome. Last evaluated: 2020-02-01. Review status: criteria provided, single submitter. Criteria: ACMG Guidelines, 2015. Collection method: clinical testing. Allele origin: germline.

Ambry Genetics
Classification: Benign for Cardiovascular phenotype. Last evaluated: 2019-03-22. Review status: criteria provided, single submitter. Criteria: Ambry Variant Classification Scheme 2023. Collection method: clinical testing. Allele origin: germline.

Breakthrough Genomics
Classification: Likely benign. Review status: criteria provided, single submitter. Criteria: ACMG Guidelines, 2015. Collection method: not provided. Allele origin: germline. Inheritance: Autosomal recessive inheritance. Affected: yes.

NM_001365276.2(TNXB):c.113G>A (p.Arg38Gln)

Gene: TNXB (tenascin XB; minus strand). Cytogenetic location: 6p21.33.
Variant type: single nucleotide variant.
Coding change: c.113G>A on transcript NM_001365276.2 (MANE Select); coding-DNA position 113, G replaced by A.
Protein change: p.Arg38Gln; replaces arginine 38 with glutamine.
Molecular consequence: missense variant.
Genome position (GRCh38, 1-based): chr6:32,098,086, C>T on the plus strand (G>A on the coding strand, the complement: TNXB is on the minus strand). VCF-style: chr6-32098086-C-T. GRCh37 (hg19) VCF-style: chr6-32065863-C-T.
Other names: p.Arg38Gln; c.113G>A, p.Arg38Gln (NM_019105.8); short protein forms R38Q.
Identifiers: ClinVar variation 1215804 (VCV001215804.17), dbSNP rs149502087, ClinGen allele CA3735905.